The following is an entry in ClinVar:

ClinVar aggregate classification (germline): Uncertain significance (1 of 4 stars; one submission).

Conditions:
Inborn genetic diseases. Identifiers: MedGen C0950123, MeSH D030342.

gnomAD v4.1: 3 of 1,537,088 alleles (0.0002%); highest among the groups gnomAD compares: Admixed American, 0.0039%; no homozygotes.

Submission:

Ambry Genetics
Classification: Uncertain significance for Inborn genetic diseases. Last evaluated: 2026-03-03. Review status: criteria provided, single submitter. Criteria: Ambry Variant Classification Scheme 2023. Collection method: clinical testing. Allele origin: germline.
Comment: The c.4481G>A (p.G1494D) alteration is located in exon 30 (coding exon 30) of the PIEZO2 gene. This alteration results from a G to A substitution at nucleotide position 4481, causing the glycine (G) at amino acid position 1494 to be replaced by an aspartic acid (D). Based on data from gnomAD, the A allele has an overall frequency of 0.001% (1/141964) total alleles studied. The highest observed frequency was 0.013% (1/7602) of African alleles. Based on insufficient or conflicting evidence, the clinical significance of this alteration remains unclear.

NM_001378183.1(PIEZO2):c.4556G>A (p.Gly1519Asp)

Gene: PIEZO2 (piezo type mechanosensitive ion channel component 2; minus strand). Cytogenetic location: 18p11.22.
Variant type: single nucleotide variant.
Coding change: c.4556G>A on transcript NM_001378183.1 (MANE Select); coding-DNA position 4556, G replaced by A.
Protein change: p.Gly1519Asp; replaces glycine 1519 with aspartic acid.
Molecular consequence: missense variant.
Genome position (GRCh38, 1-based): chr18:10,742,574, C>T on the plus strand (G>A on the coding strand, the complement: PIEZO2 is on the minus strand). VCF-style: chr18-10742574-C-T. GRCh37 (hg19) VCF-style: chr18-10742572-C-T.
Other names: c.4556G>A, p.Gly1519Asp (NM_001410871.1); c.4481G>A, p.Gly1494Asp (NM_022068.4); short protein forms G1494D, G1519D.
Identifiers: ClinVar variation 4840982 (VCV004840982.1).